The following is an entry in ClinVar:

ClinVar aggregate classification (germline): Uncertain significance. Review status: criteria provided, multiple submitters, no conflicts (2 of 4 stars). 3 submissions from 3 submitters: Uncertain significance (3). Last evaluated 2025-06-03.

Conditions:
Inborn genetic diseases. Identifiers: MedGen C0950123, MeSH D030342.
Combined immunodeficiency due to DOCK8 deficiency (HIES2). Also called: Hyper-IgE recurrent infection syndrome, autosomal recessive; HIES autosomal recessive; DOCK8 Deficiency; HYPER-IgE RECURRENT INFECTION SYNDROME 2, AUTOSOMAL RECESSIVE; HYPER-IgE SYNDROME 2, AUTOSOMAL RECESSIVE, WITH RECURRENT INFECTIONS. Identifiers: Orphanet 217390, MedGen C4722305, MONDO:0009478, OMIM 243700.

Allele frequency attached by ClinVar (database versions not stated): gnomAD 0.00001; gnomAD exomes 0.00002; TOPMed 0.00003; ESP Exome Variant Server 0.00008.

Submissions (3):

Labcorp Genetics (formerly Invitae), Labcorp
Classification: Uncertain significance for Combined immunodeficiency due to DOCK8 deficiency. Last evaluated: 2025-06-03. Review status: criteria provided, single submitter. Criteria: Invitae Variant Classification Sherloc (09022015). Collection method: clinical testing. Allele origin: germline.
Comment: This sequence change replaces histidine, which is basic and polar, with tyrosine, which is neutral and polar, at codon 1667 of the DOCK8 protein (p.His1667Tyr). This variant is present in population databases (rs373762198, gnomAD 0.004%). This variant has not been reported in the literature in individuals affected with DOCK8-related conditions. ClinVar contains an entry for this variant (Variation ID: 1039634). Invitae Evidence Modeling of protein sequence and biophysical properties (such as structural, functional, and spatial information, amino acid conservation, physicochemical variation, residue mobility, and thermodynamic stability) indicates that this missense variant is expected to disrupt DOCK8 protein function with a positive predictive value of 80%. In summary, the available evidence is currently insufficient to determine the role of this variant in disease. Therefore, it has been classified as a Variant of Uncertain Significance.

GeneDx
Classification: Uncertain significance. Last evaluated: 2023-03-17. Review status: criteria provided, single submitter. Criteria: GeneDx Variant Classification Process June 2021. Collection method: clinical testing. Allele origin: germline. Affected: yes.
Comment: In silico analysis supports that this missense variant has a deleterious effect on protein structure/function; Has not been previously published as pathogenic or benign to our knowledge; This variant is associated with the following publications: (PMID: 27350570, 19898472)

Ambry Genetics
Classification: Uncertain significance for Inborn genetic diseases. Last evaluated: 2022-10-03. Review status: criteria provided, single submitter. Criteria: Ambry Variant Classification Scheme 2023. Collection method: clinical testing. Allele origin: germline.

NM_203447.4(DOCK8):c.4999C>T (p.His1667Tyr)

Gene: DOCK8 (dedicator of cytokinesis 8; plus strand). Cytogenetic location: 9p24.3.
Variant type: single nucleotide variant.
Coding change: c.4999C>T on transcript NM_203447.4 (MANE Select); coding-DNA position 4999, C replaced by T.
Protein change: p.His1667Tyr; replaces histidine 1667 with tyrosine.
Molecular consequence: missense variant.
Genome position (GRCh38, 1-based): chr9:434,895, C>T. VCF-style: chr9-434895-C-T. GRCh37 (hg19) VCF-style: chr9-434895-C-T.
Other names: c.4699C>T, p.His1567Tyr (NM_001190458.2); c.4795C>T, p.His1599Tyr (NM_001193536.2); short protein forms H1667Y, H1567Y, H1599Y.
Identifiers: ClinVar variation 1039634 (VCV001039634.9), dbSNP rs373762198, ClinGen allele CA187807838.
Genomic context (GRCh38, chr9:434,895, plus strand): 5'-AACATGGCAGAGAAACACACCAAGAAGAAGTGCTACACGGAGGCTGCCATGTGCCTGGTG[C>T]ACGCCGCTGCGTTAGTGGCTGAGTATCTGAGCATGCTGGAGGACCACAGCTACCTGCCCG-3'
Protein context (NP_982272.2, residues 1657-1677): CYTEAAMCLV[His1667Tyr]AAALVAEYLS